The following is an entry in ClinVar:

ClinVar aggregate classification (germline): Uncertain significance (1 of 4 stars; one submission).

gnomAD v4.1: 3 of 1,614,076 alleles (0.00019%); highest among the groups gnomAD compares: Non-Finnish European, 0.00025%; no homozygotes.

Submission:

Labcorp Genetics (formerly Invitae), Labcorp
Classification: Uncertain significance. Last evaluated: 2025-10-29. Review status: criteria provided, single submitter. Criteria: Invitae Variant Classification Sherloc (09022015). Collection method: clinical testing. Allele origin: germline.
Comment: This sequence change replaces proline, which is neutral and non-polar, with leucine, which is neutral and non-polar, at codon 433 of the ABCC6 protein (p.Pro433Leu). This variant is not present in population databases (gnomAD no frequency). This variant has not been reported in the literature in individuals affected with ABCC6-related conditions. Invitae Evidence Modeling of protein sequence and biophysical properties (such as structural, functional, and spatial information, amino acid conservation, physicochemical variation, residue mobility, and thermodynamic stability) indicates that this missense variant is not expected to disrupt ABCC6 protein function with a negative predictive value of 95%. In summary, the available evidence is currently insufficient to determine the role of this variant in disease. Therefore, it has been classified as a Variant of Uncertain Significance.

NM_001171.6(ABCC6):c.1298C>T (p.Pro433Leu)

Gene: ABCC6 (ATP binding cassette subfamily C member 6; minus strand). Cytogenetic location: 16p13.11.
Variant type: single nucleotide variant.
Coding change: c.1298C>T on transcript NM_001171.6 (MANE Select); coding-DNA position 1298, C replaced by T.
Protein change: p.Pro433Leu; replaces proline 433 with leucine.
Molecular consequence: missense variant. On other transcripts: non-coding transcript variant (4).
Genome position (GRCh38, 1-based): chr16:16,198,061, G>A on the plus strand (C>T on the coding strand, the complement: ABCC6 is on the minus strand). VCF-style: chr16-16198061-G-A. GRCh37 (hg19) VCF-style: chr16-16291918-G-A.
Other names: c.956C>T, p.Pro319Leu (NM_001351800.1); c.1298C>T, p.Pro433Leu (NM_001440309.1, NM_001440310.1); short protein forms P319L, P433L.
Identifiers: ClinVar variation 4774706 (VCV004774706.1).